The following is an entry in ClinVar:

NM_005359.6(SMAD4):c.1552dup (p.Ile518fs)

Gene: SMAD4 (SMAD family member 4; plus strand). Cytogenetic location: 18q21.2.
Variant type: Duplication.
Coding change: c.1552dup on transcript NM_005359.6 (MANE Select); coding-DNA position 1552, one base duplicated (A; older notation c.1552dupA).
Protein change: p.Ile518fs; shifts the reading frame from isoleucine 518.
Molecular consequence: frameshift variant.
Genome position (GRCh38, 1-based): chr18:51,078,360, A duplicated. VCF-style (leftmost placement, unchanged base first): chr18-51078359-C-CA. GRCh37 (hg19) VCF-style: chr18-48604729-C-CA.
Other names: c.1552dup, p.Ile518Asnfs (NM_001407041.1, NM_001407042.1); short protein forms I518fs.
Identifiers: ClinVar variation 2431265 (VCV002431265.1), dbSNP rs2511391289, ClinGen allele CA2580095829.

ClinVar aggregate classification (germline): Pathogenic (1 of 4 stars; one submission).

Conditions:
Juvenile polyposis/hereditary hemorrhagic telangiectasia syndrome (JPHT). Also called: JP/HHT SYNDROME; JUVENILE POLYPOSIS WITH HEREDITARY HEMORRHAGIC TELANGIECTASIA; POLYPOSIS, GENERALIZED JUVENILE, WITH PULMONARY ARTERIOVENOUS MALFORMATION; TELANGIECTASIA, HEREDITARY HEMORRHAGIC, WITH JUVENILE POLYPOSIS COLI; Juvenile Polyposis Syndrome / Hereditary Hemorrhagic Telangiectasia (JPS/HHT). Identifiers: Orphanet 2929, MedGen C1832942, MONDO:0008278, OMIM 175050.

Submission:

Myriad Genetics, Inc.
Classification: Pathogenic for Juvenile polyposis/hereditary hemorrhagic telangiectasia syndrome. Last evaluated: 2023-01-10. Review status: criteria provided, single submitter. Criteria: Myriad Autosomal Dominant, Autosomal Recessive and X-Linked Classification Criteria (2023). Collection method: clinical testing. Allele origin: unknown.
Comment: This variant is considered pathogenic. This variant creates a frameshift predicted to result in premature protein truncation.